The following is an entry in ClinVar:

NM_017547.4(FOXRED1):c.694C>T (p.Gln232Ter)

Gene: FOXRED1 (FAD dependent oxidoreductase domain containing 1; plus strand). Cytogenetic location: 11q24.2.
Variant type: single nucleotide variant.
Coding change: c.694C>T on transcript NM_017547.4 (MANE Select); coding-DNA position 694, C replaced by T.
Protein change: p.Gln232Ter; replaces glutamine 232 with a stop codon.
Molecular consequence: nonsense. On other transcripts: non-coding transcript variant (2).
Genome position (GRCh38, 1-based): chr11:126,275,389, C>T. VCF-style: chr11-126275389-C-T. GRCh37 (hg19) VCF-style: chr11-126145284-C-T.
Other names: short protein forms Q232*.
Identifiers: ClinVar variation 5 (VCV000000005.12), dbSNP rs267606829, ClinGen allele CA113792.

ClinVar aggregate classification (germline): Pathogenic. Review status: criteria provided, multiple submitters, no conflicts (2 of 4 stars). 6 submissions from 6 submitters: Pathogenic (5). 1 of the submissions does not count toward it. Last evaluated 2025-08-17.

Conditions:
Mitochondrial complex I deficiency, nuclear type 19. Also called: Mitochondrial complex 1 deficiency, nuclear type 19. Identifiers: MedGen C4748791, MONDO:0032624, OMIM 618241.
FOXRED1-related disorder. Also called: FOXRED1-related condition.
Leigh syndrome (NULS). Also called: LEIGH SYNDROME, NUCLEAR; Leigh's necrotizing encephalopathy; Leigh's disease; Leigh's syndrome; Leigh Disease; Leigh Syndrome (mtDNA deletion). Identifiers: Orphanet 506, MedGen C2931891, MONDO:0009723, OMIM 256000.

Allele frequency attached by ClinVar (database versions not stated): TOPMed 0.00004; ExAC 0.00001; gnomAD exomes 0.00001; gnomAD 0.00003 and 0.00004.

Submissions (6):

GeneDx
Classification: Pathogenic. Last evaluated: 2025-08-17. Review status: criteria provided, single submitter. Criteria: GeneDx Variant Classification Process June 2021. Collection method: clinical testing. Allele origin: germline. Affected: yes.
Comment: Nonsense variant predicted to result in protein truncation or nonsense mediated decay in a gene for which loss of function is a known mechanism of disease; Not observed at significant frequency in large population cohorts (gnomAD); This variant is associated with the following publications: (PMID: 25678554, 25525159, 20818383, 20858599, 39684297, 33613441, 30723688, 34827632)

Fulgent Genetics
Classification: Pathogenic for Mitochondrial complex I deficiency, nuclear type 19. Last evaluated: 2024-03-12. Review status: criteria provided, single submitter. Criteria: ACMG Guidelines, 2015. Collection method: clinical testing. Allele origin: germline.

Labcorp Genetics (formerly Invitae), Labcorp
Classification: Pathogenic. Last evaluated: 2023-12-01. Review status: criteria provided, single submitter. Criteria: Invitae Variant Classification Sherloc (09022015). Collection method: clinical testing. Allele origin: germline.
Comment: This sequence change creates a premature translational stop signal (p.Gln232*) in the FOXRED1 gene. It is expected to result in an absent or disrupted protein product. Loss-of-function variants in FOXRED1 are known to be pathogenic (PMID: 20818383, 20858599). This variant is present in population databases (rs267606829, gnomAD 0.003%). This premature translational stop signal has been observed in individual(s) with Leigh syndrome (PMID: 20818383). ClinVar contains an entry for this variant (Variation ID: 5). For these reasons, this variant has been classified as Pathogenic.

PreventionGenetics, part of Exact Sciences
Classification: Pathogenic for FOXRED1-related condition. Last evaluated: 2022-10-31. Review status: criteria provided, single submitter. Criteria: ACMG Guidelines, 2015. Collection method: clinical testing. Allele origin: germline.
Comment: The FOXRED1 c.694C>T variant is predicted to result in premature protein termination (p.Gln232*). This variant was reported in individuals with mitochondrial complex I deficiency (Calvo et al. 2010. PubMed ID: 20818383, supplementary data; Formosa et al. 2015. PubMed ID: 25678554; Apatean et al. 2019. PubMed ID: 30723688). This variant is reported in 0.0040% of alleles in individuals of African descent in gnomAD. Nonsense variants in FOXRED1 are expected to be pathogenic. This variant is interpreted as pathogenic.

Women's Health and Genetics/Laboratory Corporation of America, LabCorp
Classification: Pathogenic for Leigh syndrome. Last evaluated: 2019-12-30. Review status: criteria provided, single submitter. Criteria: LabCorp Variant Classification Summary - May 2015. Collection method: clinical testing. Allele origin: germline.
Comment: Variant summary: FOXRED1 c.694C>T (p.Gln232X) results in a premature termination codon, predicted to cause a truncation of the encoded protein or absence of the protein due to nonsense mediated decay, which are commonly known mechanisms for disease. At least one publication reports experimental evidence that this variant affects mRNA splicing as evidenced by analysis of patient cDNA showing occasional skipping of exon 6, resulting in a transcript predicted to lack 40 internal residues (Calvo_2010). The variant allele was found at a frequency of 1.2e-05 in 251184 control chromosomes. c.694C>T has been reported in the literature in at-least one individual affected with Leigh syndrome (example, Calvo_2010). At least one publication reports experimental evidence evaluating an impact on protein function. The most pronounced variant effect results in defects in human mitochondrial complex I biogenesis (Formosa_2015). One clinical diagnostic laboratory has submitted clinical-significance assessments for this variant to ClinVar after 2014 without evidence for independent evaluation and classified the variant as pathogenic. Based on the evidence outlined above, the variant was classified as pathogenic.

OMIM
Classification: Pathogenic for MITOCHONDRIAL COMPLEX I DEFICIENCY, NUCLEAR TYPE 19. Last evaluated: 2010-10-01. Review status: no assertion criteria provided. Collection method: literature only. Allele origin: germline. Not counted in ClinVar's aggregate classification.

Literature cited by the submitters: PubMed 20818383 (cited by 3 submitters); PubMed 20858599 (cited by Labcorp Genetics (formerly Invitae), Labcorp); PubMed 30723688 (cited by Women's Health and Genetics/Laboratory Corporation of America, LabCorp); PubMed 25678554 (cited by Women's Health and Genetics/Laboratory Corporation of America, LabCorp).